The following is an entry in ClinVar:

ClinVar aggregate classification (germline): Uncertain significance. Review status: criteria provided, multiple submitters, no conflicts (2 of 4 stars). 4 submissions from 4 submitters: Uncertain significance (3). 1 of the submissions does not count toward it. Last evaluated 2025-07-21.

Conditions:
Maple syrup urine disease (MSUD). Identifiers: Orphanet 511, MedGen C0024776, MeSH D008375, MONDO:0009563. Disease mechanism: loss of function.
Maple syrup urine disease type 1B (MSUD1B). Also called: MSUD type IB; MSUD type 3 (formerly); MSUD due to deficiency of e1-beta subunit of branched-chain alpha-keto acid dehydrogenase complex. Identifiers: MedGen C2930990, MONDO:0023692, OMIM 620698.

Allele frequency attached by ClinVar (database versions not stated): gnomAD below 0.00001 and 0.00001; gnomAD exomes 0.00002 and 0.00003; ExAC 0.00006.
gnomAD v4.1: 29 of 1,558,058 alleles (0.0019%); highest among the groups gnomAD compares: South Asian, 0.032%; no homozygotes.

Submissions (4):

Women's Health and Genetics/Laboratory Corporation of America, LabCorp
Classification: Uncertain significance. Last evaluated: 2025-07-21. Review status: criteria provided, single submitter. Criteria: LabCorp Variant Classification Summary - May 2015. Collection method: clinical testing. Allele origin: germline.

Labcorp Genetics (formerly Invitae), Labcorp
Classification: Uncertain significance for Maple syrup urine disease. Last evaluated: 2022-05-28. Review status: criteria provided, single submitter. Criteria: Invitae Variant Classification Sherloc (09022015). Collection method: clinical testing. Allele origin: germline.
Comment: This sequence change falls in intron 8 of the BCKDHB gene. It does not directly change the encoded amino acid sequence of the BCKDHB protein. It affects a nucleotide within the consensus splice site. This variant is present in population databases (rs778135997, gnomAD 0.02%). This variant has not been reported in the literature in individuals affected with BCKDHB-related conditions. ClinVar contains an entry for this variant (Variation ID: 992185). Variants that disrupt the consensus splice site are a relatively common cause of aberrant splicing (PMID: 17576681, 9536098). Algorithms developed to predict the effect of sequence changes on RNA splicing suggest that this variant is not likely to affect RNA splicing. In summary, the available evidence is currently insufficient to determine the role of this variant in disease. Therefore, it has been classified as a Variant of Uncertain Significance.

Fulgent Genetics
Classification: Uncertain significance for Maple syrup urine disease type 1A. Last evaluated: 2021-12-18. Review status: criteria provided, single submitter. Criteria: ACMG Guidelines, 2015. Collection method: clinical testing. Allele origin: unknown.

Natera, Inc.
Classification: Uncertain significance for Maple syrup urine disease type 1B. Last evaluated: 2020-04-13. Review status: no assertion criteria provided. Collection method: clinical testing. Allele origin: germline. Not counted in ClinVar's aggregate classification.

Literature cited by the submitters: PubMed 17576681 (cited by Labcorp Genetics (formerly Invitae), Labcorp); PubMed 9536098 (cited by Labcorp Genetics (formerly Invitae), Labcorp).

NM_183050.4(BCKDHB):c.951+4T>C

Gene: BCKDHB (branched chain keto acid dehydrogenase E1 subunit beta; plus strand). Cytogenetic location: 6q14.1.
Variant type: single nucleotide variant.
Coding change: c.951+4T>C on transcript NM_183050.4 (MANE Select); 4 bases into the intron after coding-DNA position 951, T replaced by C.
Molecular consequence: intron variant.
Genome position (GRCh38, 1-based): chr6:80,203,216, T>C. VCF-style: chr6-80203216-T-C. GRCh37 (hg19) VCF-style: chr6-80912933-T-C.
Other names: c.741+4T>C (NM_001318975.1); c.951+4T>C (NM_000056.5).
Identifiers: ClinVar variation 992185 (VCV000992185.5), dbSNP rs778135997, ClinGen allele CA3902796.